The following is an entry in ClinVar:

NM_172362.3(KCNH1):c.1967A>C (p.Gln656Pro)

Gene: KCNH1 (potassium voltage-gated channel subfamily H member 1; minus strand). Cytogenetic location: 1q32.2.
Variant type: single nucleotide variant.
Coding change: c.1967A>C on transcript NM_172362.3 (MANE Select); coding-DNA position 1967, A replaced by C.
Protein change: p.Gln656Pro; replaces glutamine 656 with proline.
Molecular consequence: missense variant.
Genome position (GRCh38, 1-based): chr1:210,775,493, T>G on the plus strand (A>C on the coding strand, the complement: KCNH1 is on the minus strand). VCF-style: chr1-210775493-T-G. GRCh37 (hg19) VCF-style: chr1-210948835-T-G.
Other names: c.1886A>C, p.Gln629Pro (NM_002238.4); short protein forms Q629P, Q656P.
Identifiers: ClinVar variation 3633729 (VCV003633729.2).
Genomic context (GRCh38, chr1:210,775,493, plus strand): 5'-GCATCCCGCTTGATCACATGCAGATCACAGTAGGTCAAGGCCCTAACATTGGCACAGGAC[T>G]GGGCAAGGGTGGCTTCCTTCCAGAACACATCTCCAAACACGTCTCCTTTTCCTAAGGAGA-3'
Protein context (NP_758872.1, residues 646-666): DVFWKEATLA[Gln656Pro]SCANVRALTY

ClinVar aggregate classification (germline): Uncertain significance (1 of 4 stars; one submission).

gnomAD v4.1: 3 of 1,614,040 alleles (0.00019%); highest among the groups gnomAD compares: South Asian, 0.0022%; no homozygotes.

Submission:

Labcorp Genetics (formerly Invitae), Labcorp
Classification: Uncertain significance. Last evaluated: 2024-07-22. Review status: criteria provided, single submitter. Criteria: Invitae Variant Classification Sherloc (09022015). Collection method: clinical testing. Allele origin: germline.
Comment: This sequence change replaces glutamine, which is neutral and polar, with proline, which is neutral and non-polar, at codon 656 of the KCNH1 protein (p.Gln656Pro). This variant is not present in population databases (gnomAD no frequency). This variant has not been reported in the literature in individuals affected with KCNH1-related conditions. Advanced modeling of protein sequence and biophysical properties (such as structural, functional, and spatial information, amino acid conservation, physicochemical variation, residue mobility, and thermodynamic stability) has been performed at Invitae for this missense variant, however the output from this modeling did not meet the statistical confidence thresholds required to predict the impact of this variant on KCNH1 protein function. In summary, the available evidence is currently insufficient to determine the role of this variant in disease. Therefore, it has been classified as a Variant of Uncertain Significance.